The following is an entry in ClinVar:

NM_016013.4(NDUFAF1):c.416C>T (p.Thr139Ile)

Gene: NDUFAF1 (NADH:ubiquinone oxidoreductase complex assembly factor 1; minus strand). Cytogenetic location: 15q15.1.
Variant type: single nucleotide variant.
Coding change: c.416C>T on transcript NM_016013.4 (MANE Select); coding-DNA position 416, C replaced by T.
Protein change: p.Thr139Ile; replaces threonine 139 with isoleucine.
Molecular consequence: missense variant. On other transcripts: non-coding transcript variant (1).
Genome position (GRCh38, 1-based): chr15:41,396,644, G>A on the plus strand (C>T on the coding strand, the complement: NDUFAF1 is on the minus strand). VCF-style: chr15-41396644-G-A. GRCh37 (hg19) VCF-style: chr15-41688842-G-A.
Other names: short protein forms T139I.
Identifiers: ClinVar variation 2191440 (VCV002191440.4), dbSNP rs542781425, ClinGen allele CA7491346.
Genomic context (GRCh38, chr15:41,396,644, plus strand): 5'-TGGTTATTCTTGCCCATTTTCAAAAACACTTCACTTCTGCCTCCAATCGTCTTATCAGAA[G>A]TCACTGTCCACTTATCCAAATCTTCTTTCCCCCGGAATTGCCAGACAACCTTGGCTTGTT-3'
Protein context (NP_057097.2, residues 129-149): GKEDLDKWTV[Thr139Ile]SDKTIGGRSE

ClinVar aggregate classification (germline): Uncertain significance (1 of 4 stars; one submission).

Allele frequency attached by ClinVar (database versions not stated): ExAC 0.00001; gnomAD 0.00001; TOPMed 0.00002.

Submission:

Labcorp Genetics (formerly Invitae), Labcorp
Classification: Uncertain significance. Last evaluated: 2024-10-15. Review status: criteria provided, single submitter. Criteria: Invitae Variant Classification Sherloc (09022015). Collection method: clinical testing. Allele origin: germline.
Comment: This sequence change replaces threonine, which is neutral and polar, with isoleucine, which is neutral and non-polar, at codon 139 of the NDUFAF1 protein (p.Thr139Ile). This variant is present in population databases (rs542781425, gnomAD 0.007%). This variant has not been reported in the literature in individuals affected with NDUFAF1-related conditions. ClinVar contains an entry for this variant (Variation ID: 2191440). Invitae Evidence Modeling of protein sequence and biophysical properties (such as structural, functional, and spatial information, amino acid conservation, physicochemical variation, residue mobility, and thermodynamic stability) indicates that this missense variant is not expected to disrupt NDUFAF1 protein function with a negative predictive value of 80%. In summary, the available evidence is currently insufficient to determine the role of this variant in disease. Therefore, it has been classified as a Variant of Uncertain Significance.